The following is an entry in ClinVar:

ClinVar aggregate classification (germline): Uncertain significance (1 of 4 stars; one submission).

Submission:

CeGaT Center for Human Genetics Tuebingen
Classification: Uncertain significance. Last evaluated: 2026-01-01. Review status: criteria provided, single submitter. Criteria: CeGaT Center For Human Genetics Tuebingen Variant Classification Criteria Version 2. Collection method: clinical testing. Allele origin: germline. Affected: yes. Observed: 1 variant allele.
Comment: SCN10A: PM2

NM_006514.4(SCN10A):c.5371C>T (p.Pro1791Ser)

Gene: SCN10A (sodium voltage-gated channel alpha subunit 10; minus strand). Cytogenetic location: 3p22.2.
Variant type: single nucleotide variant.
Coding change: c.5371C>T on transcript NM_006514.4 (MANE Select); coding-DNA position 5371, C replaced by T.
Protein change: p.Pro1791Ser; replaces proline 1791 with serine.
Molecular consequence: missense variant.
Genome position (GRCh38, 1-based): chr3:38,697,849, G>A on the plus strand (C>T on the coding strand, the complement: SCN10A is on the minus strand). VCF-style: chr3-38697849-G-A. GRCh37 (hg19) VCF-style: chr3-38739340-G-A.
Other names: c.5368C>T, p.Pro1790Ser (NM_001293306.2); c.5077C>T, p.Pro1693Ser (NM_001293307.2); short protein forms P1693S, P1790S, P1791S.
Identifiers: ClinVar variation 4822300 (VCV004822300.4).